The following is an entry in ClinVar:

NM_001378454.1(ALMS1):c.10121C>A (p.Ser3374Ter)

Gene: ALMS1 (ALMS1 centrosome and basal body associated protein; plus strand). Cytogenetic location: 2p13.1.
Variant type: single nucleotide variant.
Coding change: c.10121C>A on transcript NM_001378454.1 (MANE Select); coding-DNA position 10121, C replaced by A.
Protein change: p.Ser3374Ter; replaces serine 3374 with a stop codon.
Molecular consequence: nonsense.
Genome position (GRCh38, 1-based): chr2:73,557,262, C>A. VCF-style: chr2-73557262-C-A. GRCh37 (hg19) VCF-style: chr2-73784389-C-A.
Other names: c.10124C>A, p.Ser3375Ter (NM_015120.4); short protein forms S3374*, S3375*.
Identifiers: ClinVar variation 1724702 (VCV001724702.2), dbSNP rs2466402610, ClinGen allele CA347276369.

ClinVar aggregate classification (germline): Likely pathogenic (1 of 4 stars; one submission).

Conditions:
Alstrom syndrome (ALMS). Identifiers: Orphanet 64, MedGen C0268425, MONDO:0008763, OMIM 203800.

Submission:

Myriad Genetics, Inc.
Classification: Likely pathogenic for Alstrom syndrome. Last evaluated: 2022-02-25. Review status: criteria provided, single submitter. Criteria: Myriad Women's Health Autosomal Recessive and X-Linked Classification Criteria (2021). Collection method: clinical testing. Allele origin: unknown.
Comment: NM_015120.4(ALMS1):c.10124C>A(S3375*) is expected to be pathogenic in the context of Alstrom syndrome. This variant is predicted to lead to an abnormal or absent protein product due to the creation of a premature termination codon in ALMS1, a gene where loss-of-function variants are known to be pathogenic. Please note: this variant was assessed in the context of healthy population screening.